The following is an entry in ClinVar:

NM_001197104.2(KMT2A):c.5668G>T (p.Ala1890Ser)

Gene: KMT2A (lysine methyltransferase 2A; plus strand). Cytogenetic location: 11q23.3.
Variant type: single nucleotide variant.
Coding change: c.5668G>T on transcript NM_001197104.2 (MANE Select); coding-DNA position 5668, G replaced by T.
Protein change: p.Ala1890Ser; replaces alanine 1890 with serine.
Molecular consequence: missense variant.
Genome position (GRCh38, 1-based): chr11:118,497,939, G>T. VCF-style: chr11-118497939-G-T. GRCh37 (hg19) VCF-style: chr11-118368654-G-T.
Other names: c.5758G>T, p.Ala1920Ser (NM_001412597.1); c.5659G>T, p.Ala1887Ser (NM_005933.4); short protein forms A1887S, A1890S, A1920S.
Identifiers: ClinVar variation 3029015 (VCV003029015.6), dbSNP rs1950436271, ClinGen allele CA382797457.

ClinVar aggregate classification (germline): Uncertain significance. Review status: criteria provided, multiple submitters, no conflicts (2 of 4 stars). 3 submissions from 3 submitters: Uncertain significance (3). Last evaluated 2025-02-10.

Conditions:
KMT2A-related disorder. Also called: KMT2A-related condition.
Wiedemann-Steiner syndrome (WDSTS). Also called: Growth deficiency and mental retardation with facial dysmorphism. Identifiers: Orphanet 319182, MedGen C1854630, MONDO:0011518, OMIM 605130.

Allele frequency attached by ClinVar (database versions not stated): gnomAD exomes below 0.00001; TOPMed below 0.00001; gnomAD 0.00001.
gnomAD v4.1: 4 of 1,609,938 alleles (0.00025%); highest among the groups gnomAD compares: Non-Finnish European, 0.00034%; no homozygotes.

Submissions (3):

PreventionGenetics, part of Exact Sciences
Classification: Uncertain significance for KMT2A-related condition. Last evaluated: 2025-02-10. Review status: criteria provided, single submitter. Criteria: ACMG Guidelines, 2015. Collection method: clinical testing. Allele origin: germline.
Comment: The KMT2A c.5668G>T variant is predicted to result in the amino acid substitution p.Ala1890Ser. To our knowledge, this variant has not been reported in the literature or in a large population database (gnomAD), indicating this variant is rare. At this time, the clinical significance of this variant is uncertain due to the absence of conclusive functional and genetic evidence.

Labcorp Genetics (formerly Invitae), Labcorp
Classification: Uncertain significance. Last evaluated: 2024-03-18. Review status: criteria provided, single submitter. Criteria: Invitae Variant Classification Sherloc (09022015). Collection method: clinical testing. Allele origin: germline.
Comment: This sequence change replaces alanine, which is neutral and non-polar, with serine, which is neutral and polar, at codon 1890 of the KMT2A protein (p.Ala1890Ser). This variant is not present in population databases (gnomAD no frequency). This variant has not been reported in the literature in individuals affected with KMT2A-related conditions. Advanced modeling of protein sequence and biophysical properties (such as structural, functional, and spatial information, amino acid conservation, physicochemical variation, residue mobility, and thermodynamic stability) performed at Invitae indicates that this missense variant is not expected to disrupt KMT2A protein function with a negative predictive value of 95%. In summary, the available evidence is currently insufficient to determine the role of this variant in disease. Therefore, it has been classified as a Variant of Uncertain Significance.

Department of Pathology and Laboratory Medicine, Sinai Health System
Classification: Uncertain significance for Wiedemann-Steiner syndrome. Last evaluated: 2022-01-06. Review status: criteria provided, single submitter. Criteria: ACMG Guidelines, 2015. Collection method: research. Allele origin: germline.